The following is an entry in ClinVar:

ClinVar aggregate classification (germline): Uncertain significance. Review status: criteria provided, multiple submitters, no conflicts (2 of 4 stars). 2 submissions from 2 submitters: Uncertain significance (2). Last evaluated 2025-03-11.

Conditions:
Congenital myasthenic syndrome 8. Also called: Myasthenic syndrome, congenital, 8, with pre- and postsynaptic defects; MYASTHENIC SYNDROME, CONGENITAL, DUE TO AGRIN DEFICIENCY. Identifiers: Orphanet 590, MedGen C3808739, MONDO:0014052, OMIM 615120.

Allele frequency attached by ClinVar (database versions not stated): gnomAD exomes 0.00010 and 0.00026; ExAC 0.00010; TOPMed 0.00008; gnomAD 0.00009; ESP Exome Variant Server 0.00046.
gnomAD v4.1: 377 of 1,599,078 alleles (0.024%); highest among the groups gnomAD compares: Non-Finnish European, 0.031%; no homozygotes.

Submissions (2):

Mayo Clinic Laboratories, Mayo Clinic
Classification: Uncertain significance. Last evaluated: 2025-03-11. Review status: criteria provided, single submitter. Criteria: ACMG Guidelines, 2015. Collection method: clinical testing. Allele origin: germline. Observed: 1 variant allele.
Comment: PM2_supporting

Labcorp Genetics (formerly Invitae), Labcorp
Classification: Uncertain significance for Congenital myasthenic syndrome 8. Last evaluated: 2022-08-13. Review status: criteria provided, single submitter. Criteria: Invitae Variant Classification Sherloc (09022015). Collection method: clinical testing. Allele origin: germline.
Comment: This sequence change replaces leucine, which is neutral and non-polar, with phenylalanine, which is neutral and non-polar, at codon 1493 of the AGRN protein (p.Leu1493Phe). This variant is present in population databases (rs138526997, gnomAD 0.02%). This variant has not been reported in the literature in individuals affected with AGRN-related conditions. ClinVar contains an entry for this variant (Variation ID: 1011957). Algorithms developed to predict the effect of missense changes on protein structure and function are either unavailable or do not agree on the potential impact of this missense change (SIFT: "Deleterious"; PolyPhen-2: "Possibly Damaging"; Align-GVGD: "Class C0"). In summary, the available evidence is currently insufficient to determine the role of this variant in disease. Therefore, it has been classified as a Variant of Uncertain Significance.

NM_198576.4(AGRN):c.4477C>T (p.Leu1493Phe)

Gene: AGRN (agrin; plus strand). Cytogenetic location: 1p36.33.
Variant type: single nucleotide variant.
Coding change: c.4477C>T on transcript NM_198576.4 (MANE Select); coding-DNA position 4477, C replaced by T.
Protein change: p.Leu1493Phe; replaces leucine 1493 with phenylalanine.
Molecular consequence: missense variant.
Genome position (GRCh38, 1-based): chr1:1,049,414, C>T. VCF-style: chr1-1049414-C-T. GRCh37 (hg19) VCF-style: chr1-984794-C-T.
Other names: p.Leu1493Phe; c.4477C>T, p.Leu1493Phe (NM_001305275.2); c.4162C>T, p.Leu1388Phe (NM_001364727.2); short protein forms L1388F, L1493F.
Identifiers: ClinVar variation 1011957 (VCV001011957.5), dbSNP rs138526997, ClinGen allele CA509470.